The following is an entry in ClinVar:

ClinVar aggregate classification (germline): Pathogenic (1 of 4 stars; one submission).

Conditions:
Triglyceride storage disease with ichthyosis (CDS). Also called: Chanarin-Dorfman Syndrome; TRIGLYCERIDE STORAGE DISEASE WITH IMPAIRED LONG-CHAIN FATTY ACID OXIDATION; Dorfman-Chanarin disease; ICHTHYOSIFORM ERYTHRODERMA WITH LEUKOCYTE VACUOLATION. Identifiers: Orphanet 98907, MedGen C0268238, MONDO:0010155, OMIM 275630.

Submission:

Department of Paediatric Medicine, Post Graduation Institute of Medical Education and Research
Classification: Pathogenic for Triglyceride storage disease with ichthyosis. Last evaluated: 2020-07-29. Review status: criteria provided, single submitter. Criteria: ACMG Guidelines, 2015. Collection method: clinical testing. Allele origin: inherited. Inheritance: Autosomal recessive inheritance. Affected: yes. Observed: 1 variant allele, 1 homozygote.
Comment: A homozygous nonsense variation in exon 6 of the ABHD5 gene (chr3:g.43717707T>A; Depth: 175x) that results in a stop codon and premature truncation of the protein at codon 270 (p.Tyr270Ter; ENST00000644371.2) was detected. This variant has not been reported in the 1000 Genomes, gnomAD and our internal databases. The in silico prediction of the variant is damaging by MutationTaster2. The reference codon is conserved across species.

NM_016006.6(ABHD5):c.810T>A (p.Tyr270Ter)

Gene: ABHD5 (abhydrolase domain containing 5, lysophosphatidic acid acyltransferase; plus strand). Cytogenetic location: 3p21.33.
Variant type: single nucleotide variant.
Coding change: c.810T>A on transcript NM_016006.6 (MANE Select); coding-DNA position 810, T replaced by A.
Protein change: p.Tyr270Ter; replaces tyrosine 270 with a stop codon.
Molecular consequence: nonsense. On other transcripts: non-coding transcript variant (1), intron variant (1).
Genome position (GRCh38, 1-based): chr3:43,717,707, T>A. VCF-style: chr3-43717707-T-A. GRCh37 (hg19) VCF-style: chr3-43759199-T-A.
Other names: c.810T>A, p.Tyr270Ter (NM_001355186.2); c.687T>A, p.Tyr229Ter (NM_001365649.1); c.774-736T>A (NM_001365650.1); short protein forms Y229*, Y270*.
Identifiers: ClinVar variation 977526 (VCV000977526.3), dbSNP rs2084784131, ClinGen allele CA352347476.
Genomic context (GRCh38, chr3:43,717,707, plus strand): 5'-GTGATTTTCTCCTTGCCGTTAAAGTGGTGAGACAGCTTTCAAGAATATGACTATTCCTTA[T>A]GGATGGGCAAAAAGGCCAATGCTCCAGCGAATTGGTAAAATGCACCCTGACATTCCAGTT-3'